The following is an entry in ClinVar:

ClinVar aggregate classification (germline): Uncertain significance (1 of 4 stars; one submission).

Conditions:
Familial melanoma. Also called: Hereditary melanoma; Hereditary cutaneous melanoma. Identifiers: Orphanet 618, MedGen C1512419, MONDO:0018961.

Submission:

Labcorp Genetics (formerly Invitae), Labcorp
Classification: Uncertain significance for Familial melanoma. Last evaluated: 2021-05-20. Review status: criteria provided, single submitter. Criteria: Invitae Variant Classification Sherloc (09022015). Collection method: clinical testing. Allele origin: germline.
Comment: In summary, the available evidence is currently insufficient to determine the role of this variant in disease. Therefore, it has been classified as a Variant of Uncertain Significance. Algorithms developed to predict the effect of sequence changes on RNA splicing suggest that this variant may create or strengthen a splice site, but this prediction has not been confirmed by published transcriptional studies. Algorithms developed to predict the effect of missense changes on protein structure and function are either unavailable or do not agree on the potential impact of p.Pro101Gln in p14ARF (SIFT: "Tolerated"; PolyPhen-2: "Unavailable"; Align-GVGD: "Class C0"). These predictions have not been confirmed by published functional studies and their clinical significance is uncertain. This variant has not been reported in the literature in individuals with CDKN2A-related disease. This variant is not present in population databases (ExAC no frequency). This sequence change affects codon 87 of the CDKN2A (p16INK4a) mRNA. It is a 'silent' change, meaning that it does not change the encoded amino acid sequence of the CDKN2A (p16INK4a) protein. Alternatively, this sequence change replaces proline with glutamine at codon 101 of the p14ARF protein (p.Pro101Gln). The proline residue is moderately conserved and there is a moderate physicochemical difference between proline and glutamine. The CDKN2A gene encodes two different proteins, p16INK4a and p14ARF, which are translated from alternative transcripts that have different open reading frames.

NM_000077.5(CDKN2A):c.259C>A (p.Arg87=)

Gene: CDKN2A (cyclin dependent kinase inhibitor 2A; minus strand). Cytogenetic location: 9p21.3.
Variant type: single nucleotide variant.
Coding change: c.259C>A on transcript NM_000077.5; coding-DNA position 259, C replaced by A.
Protein change: p.Arg87=; no amino-acid change (arginine 87 retained).
Molecular consequence: synonymous variant (on NM_000077.6). On other transcripts: missense variant (1), 3 prime UTR variant (1).
Genome position (GRCh38, 1-based): chr9:21,971,100, G>T on the plus strand (C>A on the coding strand, the complement: CDKN2A is on the minus strand). VCF-style: chr9-21971100-G-T. GRCh37 (hg19) VCF-style: chr9-21971099-G-T.
Other names: c.259C>A, p.Arg87= (NM_000077.6, NM_001195132.2); c.106C>A, p.Arg36= (NM_001363763.2); c.302C>A, p.Pro101Gln (NM_058195.4); c.*182C>A (NM_058197.5); short protein forms P101Q.
Identifiers: ClinVar variation 1396924 (VCV001396924.8), dbSNP rs749714198, ClinGen allele CA373086211.